The following is an entry in ClinVar:

ClinVar aggregate classification (germline): Conflicting classifications of pathogenicity. Review status: criteria provided, conflicting classifications (1 of 4 stars). 2 submissions from 2 submitters: Uncertain significance (1); Likely benign (1). Last evaluated 2023-08-02.

Conditions:
Sterile multifocal osteomyelitis with periostitis and pustulosis. Also called: CHRONIC RECURRENT MULTIFOCAL OSTEOMYELITIS 2, WITH PERIOSTITIS AND PUSTULOSIS. Identifiers: Orphanet 210115, MedGen C2748507, MONDO:0013021, OMIM 612852.
Inborn genetic diseases. Identifiers: MedGen C0950123, MeSH D030342.

Allele frequency attached by ClinVar (database versions not stated): gnomAD exomes 0.00001; ExAC 0.00002; gnomAD 0.00003; TOPMed 0.00005; ESP Exome Variant Server 0.00008.
gnomAD v4.1: 11 of 1,613,564 alleles (0.00068%); highest among the groups gnomAD compares: African/African-American, 0.0093%; no homozygotes.

Submissions (2):

Ambry Genetics
Classification: Likely benign for Inborn genetic diseases. Last evaluated: 2023-08-02. Review status: criteria provided, single submitter. Criteria: Ambry Variant Classification Scheme 2023. Collection method: clinical testing. Allele origin: germline.

Labcorp Genetics (formerly Invitae), Labcorp
Classification: Uncertain significance for Sterile multifocal osteomyelitis with periostitis and pustulosis. Last evaluated: 2022-06-13. Review status: criteria provided, single submitter. Criteria: Invitae Variant Classification Sherloc (09022015). Collection method: clinical testing. Allele origin: germline.
Comment: In summary, the available evidence is currently insufficient to determine the role of this variant in disease. Therefore, it has been classified as a Variant of Uncertain Significance. Algorithms developed to predict the effect of missense changes on protein structure and function output the following: SIFT: "Tolerated"; PolyPhen-2: "Benign"; Align-GVGD: "Class C0". The valine amino acid residue is found in multiple mammalian species, which suggests that this missense change does not adversely affect protein function. This variant has not been reported in the literature in individuals affected with IL1RN-related conditions. This variant is present in population databases (rs374268790, gnomAD 0.02%). This sequence change replaces leucine, which is neutral and non-polar, with valine, which is neutral and non-polar, at codon 84 of the IL1RN protein (p.Leu84Val).

NM_173842.3(IL1RN):c.241C>G (p.Leu81Val)

Gene: IL1RN (interleukin 1 receptor antagonist; plus strand). Cytogenetic location: 2q14.1.
Variant type: single nucleotide variant.
Coding change: c.241C>G on transcript NM_173842.3 (MANE Select); coding-DNA position 241, C replaced by G.
Protein change: p.Leu81Val; replaces leucine 81 with valine.
Molecular consequence: missense variant.
Genome position (GRCh38, 1-based): chr2:113,131,080, C>G. VCF-style: chr2-113131080-C-G. GRCh37 (hg19) VCF-style: chr2-113888657-C-G.
Other names: c.187C>G, p.Leu63Val (NM_000577.5); c.139C>G, p.Leu47Val (NM_001318914.2, NM_001379360.1, NM_173843.3); c.250C>G, p.Leu84Val (NM_173841.3); c.250C>G (NM_173841.2); short protein forms L63V, L81V, L84V, L47V.
Identifiers: ClinVar variation 1443020 (VCV001443020.8), dbSNP rs374268790, ClinGen allele CA1838841.